The following is an entry in ClinVar:

NM_022089.4(ATP13A2):c.813C>G (p.Ile271Met)

Gene: ATP13A2 (ATPase cation transporting 13A2; minus strand). Cytogenetic location: 1p36.13.
Variant type: single nucleotide variant.
Coding change: c.813C>G on transcript NM_022089.4 (MANE Select); coding-DNA position 813, C replaced by G.
Protein change: p.Ile271Met; replaces isoleucine 271 with methionine.
Molecular consequence: missense variant.
Genome position (GRCh38, 1-based): chr1:17,000,427, G>C on the plus strand (C>G on the coding strand, the complement: ATP13A2 is on the minus strand). VCF-style: chr1-17000427-G-C. GRCh37 (hg19) VCF-style: chr1-17326922-G-C.
Other names: c.798C>G, p.Ile266Met (NM_001141973.3, NM_001141974.3); short protein forms I271M, I266M.
Identifiers: ClinVar variation 570178 (VCV000570178.8), dbSNP rs1557703924, ClinGen allele CA338258009.

ClinVar aggregate classification (germline): Uncertain significance (1 of 4 stars; one submission).

Conditions:
Autosomal recessive spastic paraplegia type 78. Identifiers: Orphanet 513436, MedGen C5567893, MONDO:0014975, OMIM 617225.
Kufor-Rakeb syndrome (KRS). Also called: PARKINSON DISEASE 9, AUTOSOMAL RECESSIVE, JUVENILE-ONSET. Identifiers: Orphanet 306674, Orphanet 314632, MedGen C1847640, MONDO:0011706, OMIM 606693.

Submission:

Labcorp Genetics (formerly Invitae), Labcorp
Classification: Uncertain significance for Kufor-Rakeb syndrome; Autosomal recessive spastic paraplegia type 78. Last evaluated: 2025-10-02. Review status: criteria provided, single submitter. Criteria: Invitae Variant Classification Sherloc (09022015). Collection method: clinical testing. Allele origin: germline.
Comment: This sequence change replaces isoleucine, which is neutral and non-polar, with methionine, which is neutral and non-polar, at codon 271 of the ATP13A2 protein (p.Ile271Met). This variant is not present in population databases (gnomAD no frequency). This variant has not been reported in the literature in individuals affected with ATP13A2-related conditions. ClinVar contains an entry for this variant (Variation ID: 570178). Invitae Evidence Modeling of protein sequence and biophysical properties (such as structural, functional, and spatial information, amino acid conservation, physicochemical variation, residue mobility, and thermodynamic stability) indicates that this missense variant is not expected to disrupt ATP13A2 protein function with a negative predictive value of 80%. In summary, the available evidence is currently insufficient to determine the role of this variant in disease. Therefore, it has been classified as a Variant of Uncertain Significance.